The following is an entry in ClinVar:

NM_001060.6(TBXA2R):c.782T>A (p.Leu261His)

Gene: TBXA2R (thromboxane A2 receptor; minus strand). Cytogenetic location: 19p13.3.
Variant type: single nucleotide variant.
Coding change: c.782T>A on transcript NM_001060.6 (MANE Select); coding-DNA position 782, T replaced by A.
Protein change: p.Leu261His; replaces leucine 261 with histidine.
Molecular consequence: missense variant.
Genome position (GRCh38, 1-based): chr19:3,599,853, A>T on the plus strand (T>A on the coding strand, the complement: TBXA2R is on the minus strand). VCF-style: chr19-3599853-A-T. GRCh37 (hg19) VCF-style: chr19-3599851-A-T.
Other names: p.Leu261His; c.782T>A, p.Leu261His (NM_201636.3); short protein forms L261H.
Identifiers: ClinVar variation 2069300 (VCV002069300.8), dbSNP rs200638504, ClinGen allele CA9080790.

ClinVar aggregate classification (germline): Uncertain significance. Review status: criteria provided, multiple submitters, no conflicts (2 of 4 stars). 4 submissions from 4 submitters: Uncertain significance (4). Last evaluated 2026-08-12.

Allele frequency attached by ClinVar (database versions not stated): ExAC 0.00012; gnomAD 0.00019; gnomAD exomes 0.00033.

Submissions (4):

GeneDx
Classification: Uncertain significance. Last evaluated: 2026-08-12. Review status: criteria provided, single submitter. Criteria: GeneDx Variant Classification Process June 2021. Collection method: clinical testing. Allele origin: germline.
Comment: In silico analysis supports that this missense variant has a deleterious effect on protein structure/function; Has not been previously published as pathogenic or benign to our knowledge

Labcorp Genetics (formerly Invitae), Labcorp
Classification: Uncertain significance. Last evaluated: 2025-10-01. Review status: criteria provided, single submitter. Criteria: Invitae Variant Classification Sherloc (09022015). Collection method: clinical testing. Allele origin: germline.
Comment: This sequence change replaces leucine, which is neutral and non-polar, with histidine, which is basic and polar, at codon 261 of the TBXA2R protein (p.Leu261His). This variant is present in population databases (rs200638504, gnomAD 0.03%). This variant has not been reported in the literature in individuals affected with TBXA2R-related conditions. ClinVar contains an entry for this variant (Variation ID: 2069300). Invitae Evidence Modeling of protein sequence and biophysical properties (such as structural, functional, and spatial information, amino acid conservation, physicochemical variation, residue mobility, and thermodynamic stability) indicates that this missense variant is expected to disrupt TBXA2R protein function with a positive predictive value of 80%. In summary, the available evidence is currently insufficient to determine the role of this variant in disease. Therefore, it has been classified as a Variant of Uncertain Significance.

Mayo Clinic Laboratories, Mayo Clinic
Classification: Uncertain significance. Last evaluated: 2024-12-23. Review status: criteria provided, single submitter. Criteria: ACMG Guidelines, 2015. Collection method: clinical testing. Allele origin: germline. Observed: 1 variant allele.
Comment: PP3

Women's Health and Genetics/Laboratory Corporation of America, LabCorp
Classification: Uncertain significance. Last evaluated: 2024-12-18. Review status: criteria provided, single submitter. Criteria: LabCorp Variant Classification Summary - May 2015. Collection method: clinical testing. Allele origin: germline.
Comment: Variant summary: TBXA2R c.782T>A (p.Leu261His) results in a non-conservative amino acid change located in the GPCR, rhodopsin-like, 7TM domain (IPR017452) of the encoded protein sequence. Five of five in-silico tools predict a damaging effect of the variant on protein function. The variant allele was found at a frequency of 0.00015 in 152090 control chromosomes. This frequency is not significantly higher than estimated for a pathogenic variant in TBXA2R causing Bleeding Diathesis Due To Thromboxane Synthesis Deficiency, allowing no conclusion about variant significance. To our knowledge, no occurrence of c.782T>A in individuals affected with Bleeding Diathesis Due To Thromboxane Synthesis Deficiency and no experimental evidence demonstrating its impact on protein function have been reported. ClinVar contains an entry for this variant (Variation ID: 2069300). Based on the evidence outlined above, the variant was classified as uncertain significance.